The following is an entry in ClinVar:

ClinVar aggregate classification (germline): Uncertain significance (1 of 4 stars; one submission).

Conditions:
Hereditary cancer-predisposing syndrome. Also called: Neoplastic Syndromes, Hereditary; Tumor predisposition; Hereditary Cancer Syndrome; Hereditary neoplastic syndrome. Identifiers: Orphanet 140162, MedGen C0027672, MeSH D009386, MONDO:0015356.

Submission:

Ambry Genetics
Classification: Uncertain significance for Hereditary cancer-predisposing syndrome. Last evaluated: 2022-04-04. Review status: criteria provided, single submitter. Criteria: Ambry Variant Classification Scheme 2023. Collection method: clinical testing. Allele origin: germline.
Comment: The p.R428K variant (also known as c.1283G>A), located in coding exon 11 of the MRE11A gene, results from a G to A substitution at nucleotide position 1283. The arginine at codon 428 is replaced by lysine, an amino acid with highly similar properties. This amino acid position is conserved. In addition, the in silico prediction for this alteration is inconclusive. Since supporting evidence is limited at this time, the clinical significance of this alteration remains unclear.

NM_005591.4(MRE11):c.1283G>A (p.Arg428Lys)

Gene: MRE11 (MRE11 double strand break repair nuclease; minus strand). Cytogenetic location: 11q21.
Variant type: single nucleotide variant.
Coding change: c.1283G>A on transcript NM_005591.4 (MANE Select); coding-DNA position 1283, G replaced by A.
Protein change: p.Arg428Lys; replaces arginine 428 with lysine.
Molecular consequence: missense variant.
Genome position (GRCh38, 1-based): chr11:94,460,979, C>T on the plus strand (G>A on the coding strand, the complement: MRE11 is on the minus strand). VCF-style: chr11-94460979-C-T. GRCh37 (hg19) VCF-style: chr11-94194145-C-T.
Other names: c.1283G>A, p.Arg428Lys (NM_001330347.2, NM_005590.4); short protein forms R428K.
Identifiers: ClinVar variation 1800062 (VCV001800062.2), dbSNP rs2496399751, ClinGen allele CA382372364.